The following is an entry in ClinVar:

NM_022552.5(DNMT3A):c.1182del (p.Asp394fs)

Gene: DNMT3A (DNA methyltransferase 3 alpha; minus strand). Cytogenetic location: 2p23.3.
Variant type: Deletion.
Coding change: c.1182del on transcript NM_022552.5 (MANE Select); coding-DNA position 1182, one base deleted (C; older notation c.1182delC).
Protein change: p.Asp394fs; shifts the reading frame from aspartic acid 394.
Molecular consequence: frameshift variant. On other transcripts: non-coding transcript variant (1).
Genome position (GRCh38, 1-based): chr2:25,246,717, G deleted on the plus strand (C on the coding strand, the reverse complement: DNMT3A is on the minus strand). VCF-style (leftmost placement, unchanged base first): chr2-25246716-TG-T. GRCh37 (hg19) VCF-style: chr2-25469585-TG-T.
Other names: c.726del, p.Asp242fs (NM_001320893.1); c.513del, p.Asp171fs (NM_001375819.1); c.615del, p.Asp205fs (NM_153759.3); c.1182del, p.Asp394fs (NM_175629.2); short protein forms D171fs, D205fs, D242fs, D394fs.
Identifiers: ClinVar variation 4530573 (VCV004530573.1).

ClinVar aggregate classification (germline): Pathogenic (1 of 4 stars; one submission).

Conditions:
Tatton-Brown-Rahman overgrowth syndrome. Also called: Tatton-Brown-Rahman syndrome; Tall stature-intellectual disability-facial dysmorphism syndrome. Identifiers: Orphanet 404443, MedGen C4014545, MONDO:0014382, OMIM 615879.

Submission:

Institute of Human Genetics, University of Leipzig Medical Center
Classification: Pathogenic for Tatton-Brown-Rahman overgrowth syndrome. Last evaluated: 2025-10-15. Review status: criteria provided, single submitter. Criteria: ACMG Guidelines, 2015. Collection method: clinical testing. Allele origin: unknown. Inheritance: Autosomal dominant inheritance. Affected: yes.
Comment: Criteria applied: PVS1,PM2